The following is an entry in ClinVar:

ClinVar aggregate classification (germline): Uncertain significance (0 of 4 stars; one submission).

Conditions:
WDPCP-related disorder. Also called: WDPCP-related condition.

gnomAD v4.1: 6 of 1,613,348 alleles (0.00037%); highest among the groups gnomAD compares: African/African-American, 0.0013%; no homozygotes.

Submission:

PreventionGenetics, part of Exact Sciences
Classification: Uncertain significance for WDPCP-related condition. Last evaluated: 2024-01-09. Review status: no assertion criteria provided. Collection method: clinical testing. Allele origin: germline.
Comment: The WDPCP c.1591C>A variant is predicted to result in the amino acid substitution p.Leu531Ile. To our knowledge, this variant has not been reported in the literature. This variant is reported in 0.0041% of alleles in individuals of African descent in gnomAD. At this time, the clinical significance of this variant is uncertain due to the absence of conclusive functional and genetic evidence.

NM_015910.7(WDPCP):c.1591C>A (p.Leu531Ile)

Gene: WDPCP (WD repeat containing planar cell polarity effector; minus strand). Cytogenetic location: 2p15.
Variant type: single nucleotide variant.
Coding change: c.1591C>A on transcript NM_015910.7 (MANE Select); coding-DNA position 1591, C replaced by A.
Protein change: p.Leu531Ile; replaces leucine 531 with isoleucine.
Molecular consequence: missense variant. On other transcripts: non-coding transcript variant (3).
Genome position (GRCh38, 1-based): chr2:63,381,939, G>T on the plus strand (C>A on the coding strand, the complement: WDPCP is on the minus strand). VCF-style: chr2-63381939-G-T. GRCh37 (hg19) VCF-style: chr2-63609074-G-T.
Other names: c.1114C>A, p.Leu372Ile (NM_001042692.3); c.1519C>A, p.Leu507Ile (NM_001354044.2); c.1591C>A, p.Leu531Ile (NM_001354045.2); short protein forms L372I, L507I, L531I.
Identifiers: ClinVar variation 3355391 (VCV003355391.1).